The following is an entry in ClinVar:

ClinVar aggregate classification (germline): Uncertain significance (1 of 4 stars; one submission).

Conditions:
Arrhythmogenic cardiomyopathy with wooly hair and keratoderma. Also called: PALMOPLANTAR KERATODERMA WITH LEFT VENTRICULAR CARDIOMYOPATHY AND WOOLLY HAIR; Carvajal syndrome; Dilated cardiomyopathy with woolly hair and keratoderma; Arrhythmogenic cardiomyopathy with woolly hair and keratoderma. Identifiers: Orphanet 65282, MedGen C1854063, MONDO:0011581, OMIM 605676.
Arrhythmogenic right ventricular dysplasia 8 (ARVD8). Also called: Arrhythmogenic Right Ventricular Dysplasia/Cardiomyopathy 8; ARRHYTHMOGENIC RIGHT VENTRICULAR DYSPLASIA, FAMILIAL, 8; ARRHYTHMOGENIC RIGHT VENTRICULAR CARDIOMYOPATHY 8. Identifiers: MedGen C1843896, MONDO:0011831, OMIM 607450.

Submission:

Labcorp Genetics (formerly Invitae), Labcorp
Classification: Uncertain significance for Arrhythmogenic cardiomyopathy with wooly hair and keratoderma; Arrhythmogenic right ventricular dysplasia 8. Last evaluated: 2023-08-23. Review status: criteria provided, single submitter. Criteria: Invitae Variant Classification Sherloc (09022015). Collection method: clinical testing. Allele origin: germline.
Comment: In summary, the available evidence is currently insufficient to determine the role of this variant in disease. Therefore, it has been classified as a Variant of Uncertain Significance. An algorithm developed to predict the effect of missense changes on protein structure and function (PolyPhen-2) suggests that this variant is likely to be disruptive. This variant has not been reported in the literature in individuals affected with DSP-related conditions. This variant is not present in population databases (gnomAD no frequency). This sequence change replaces tryptophan, which is neutral and slightly polar, with glycine, which is neutral and non-polar, at codon 298 of the DSP protein (p.Trp298Gly).

NM_004415.4(DSP):c.892T>G (p.Trp298Gly)

Gene: DSP (desmoplakin; plus strand). Cytogenetic location: 6p24.3.
Variant type: single nucleotide variant.
Coding change: c.892T>G on transcript NM_004415.4 (MANE Select); coding-DNA position 892, T replaced by G.
Protein change: p.Trp298Gly; replaces tryptophan 298 with glycine.
Molecular consequence: missense variant.
Genome position (GRCh38, 1-based): chr6:7,565,473, T>G. VCF-style: chr6-7565473-T-G. GRCh37 (hg19) VCF-style: chr6-7565706-T-G.
Other names: c.892T>G, p.Trp298Gly (NM_001008844.3, NM_001319034.2, NM_001406591.1); short protein forms W298G.
Identifiers: ClinVar variation 2951204 (VCV002951204.3), dbSNP rs2533872689, ClinGen allele CA362674541.